The following is an entry in ClinVar:

NM_006178.4(NSF):c.1275C>T (p.Asp425=)

Genes: LRRC37A2 (leucine rich repeat containing 37 member A2), NSF (N-ethylmaleimide sensitive factor, vesicle fusing ATPase; plus strand). Cytogenetic location: 17q21.31.
Variant type: single nucleotide variant.
Coding change: c.1275C>T on transcript NM_006178.4 (MANE Select); coding-DNA position 1275, C replaced by T.
Protein change: p.Asp425=; no amino-acid change (aspartic acid 425 retained).
Molecular consequence: synonymous variant. On other transcripts: non-coding transcript variant (1).
Genome position (GRCh38, 1-based): chr17:46,694,563, C>T. VCF-style: chr17-46694563-C-T. GRCh37 (hg19) VCF-style: chr17-44771929-C-T.
Identifiers: ClinVar variation 1335280 (VCV001335280.35), dbSNP rs369349043, ClinGen allele CA8620204.

ClinVar aggregate classification (germline): Likely benign. Review status: criteria provided, multiple submitters, no conflicts (2 of 4 stars). 2 submissions from 2 submitters: Likely benign (2). Last evaluated 2024-11-01.

Allele frequency attached by ClinVar (database versions not stated): ESP Exome Variant Server 0.00497; ExAC 0.01282.

Submissions (2):

CeGaT Center for Human Genetics Tuebingen
Classification: Likely benign. Last evaluated: 2024-11-01. Review status: criteria provided, single submitter. Criteria: CeGaT Center For Human Genetics Tuebingen Variant Classification Criteria Version 2. Collection method: clinical testing. Allele origin: germline. Affected: yes. Observed: 10 variant alleles.
Comment: NSF: BP4, BP7

Breakthrough Genomics
Classification: Likely benign. Review status: criteria provided, single submitter. Criteria: ACMG Guidelines, 2015. Collection method: not provided. Allele origin: germline. Inheritance: Autosomal dominant inheritance. Affected: yes.